The following is an entry in ClinVar:

NM_138395.4(MARS2):c.195G>C (p.Ser65=)

Genes: MARS2 (methionyl-tRNA synthetase 2, mitochondrial; plus strand), LOC129935365 (ATAC-STARR-seq lymphoblastoid active region 16942; plus strand). Cytogenetic location: 2q33.1.
Variant type: single nucleotide variant.
Coding change: c.195G>C on transcript NM_138395.4 (MANE Select); coding-DNA position 195, G replaced by C.
Protein change: p.Ser65=; no amino-acid change (serine 65 retained).
Molecular consequence: synonymous variant.
Genome position (GRCh38, 1-based): chr2:197,705,600, G>C. VCF-style: chr2-197705600-G-C. GRCh37 (hg19) VCF-style: chr2-198570324-G-C.
Identifiers: ClinVar variation 3698981 (VCV003698981.2).

ClinVar aggregate classification (germline): Uncertain significance (1 of 4 stars; one submission).

gnomAD v4.1: 2 of 1,612,812 alleles (0.00012%); highest among the groups gnomAD compares: East Asian, 0.0022%; no homozygotes.

Submission:

Labcorp Genetics (formerly Invitae), Labcorp
Classification: Uncertain significance. Last evaluated: 2024-12-07. Review status: criteria provided, single submitter. Criteria: Invitae Variant Classification Sherloc (09022015). Collection method: clinical testing. Allele origin: germline.
Comment: This sequence change affects codon 65 of the MARS2 mRNA. It is a 'silent' change, meaning that it does not change the encoded amino acid sequence of the MARS2 protein. This variant is present in population databases (no rsID available, gnomAD 0.06%). This variant has not been reported in the literature in individuals affected with MARS2-related conditions. In summary, the available evidence is currently insufficient to determine the role of this variant in disease. Therefore, it has been classified as a Variant of Uncertain Significance.